The following is an entry in ClinVar:

NC_000006.11:g.(?_135679250)_(135679345_?)dup

Gene: AHI1 (Abelson helper integration site 1; minus strand). Cytogenetic location: 6q23.3.
Variant type: Duplication.
Identifiers: ClinVar variation 1521336 (VCV001521336.7).

ClinVar aggregate classification (germline): Likely pathogenic (1 of 4 stars; one submission).

Conditions:
Joubert syndrome. Also called: CEREBELLOPARENCHYMAL DISORDER IV; JOUBERT-BOLTSHAUSER SYNDROME; Familial aplasia of the vermis. Identifiers: Orphanet 475, MedGen C5979921, MONDO:0018772.

Submission:

Labcorp Genetics (formerly Invitae), Labcorp
Classification: Likely pathogenic for Joubert syndrome. Last evaluated: 2022-10-13. Review status: criteria provided, single submitter. Criteria: Invitae Variant Classification Sherloc (09022015). Collection method: clinical testing. Allele origin: germline.
Comment: In summary, the currently available evidence indicates that the variant is pathogenic, but additional data are needed to prove that conclusively. Therefore, this variant has been classified as Likely Pathogenic. This variant has not been reported in the literature in individuals affected with AHI1-related conditions. This variant results in a copy number gain of the genomic region encompassing exon(s) 23 of the AHI1 gene. While the exact position of this variant cannot be determined from the data, sub-genic copy number gains are generally in tandem (PMID: 25640679). This variant is predicted to be out-of-frame, and may result in an absent or disrupted protein product. Loss-of-function variants in AHI1 are known to be pathogenic (PMID: 15322546, 16453322, 28442542, 29186038).

Literature cited by the submitters: PubMed 25640679; PubMed 15322546; PubMed 16453322; PubMed 28442542; PubMed 29186038.